The following is an entry in ClinVar:

ClinVar aggregate classification (germline): Uncertain significance (1 of 4 stars; one submission).

Conditions:
Inflammatory bowel disease 30. Also called: INFLAMMATORY BOWEL DISEASE (CROHN DISEASE) 30. Identifiers: MedGen C5436750, MONDO:0033643, OMIM 619079.

gnomAD v4.1: 1 of 1,613,838 alleles (0.000062%); highest among the groups gnomAD compares: African/African-American, 0.0013%; no homozygotes.

Submission:

Laboratorio de Genetica e Diagnostico Molecular, Hospital Israelita Albert Einstein
Classification: Uncertain significance for Inflammatory bowel disease 30. Last evaluated: 2024-06-20. Review status: criteria provided, single submitter. Criteria: ACMG Guidelines, 2015. Collection method: clinical testing. Allele origin: germline. Affected: yes.
Comment: ACMG classification criteria: PM2 supporting, BP4 supporting

NM_001184900.3(CARD8):c.275A>G (p.Asp92Gly)

Gene: CARD8 (caspase recruitment domain family member 8; minus strand). Cytogenetic location: 19q13.33.
Variant type: single nucleotide variant.
Coding change: c.275A>G on transcript NM_001184900.3 (MANE Select); coding-DNA position 275, A replaced by G.
Protein change: p.Asp92Gly; replaces aspartic acid 92 with glycine.
Molecular consequence: missense variant. On other transcripts: initiator codon variant (5), 5 prime UTR variant (1), non-coding transcript variant (4).
Genome position (GRCh38, 1-based): chr19:48,234,478, T>C on the plus strand (A>G on the coding strand, the complement: CARD8 is on the minus strand). VCF-style: chr19-48234478-T-C. GRCh37 (hg19) VCF-style: chr19-48737735-T-C.
Other names: c.125A>G, p.Asp42Gly (NM_001184901.1, NM_001351783.2, NM_001351788.2 and 2 more transcripts); c.275A>G, p.Asp92Gly (NM_001184902.2, NM_001184903.1, NM_001351782.2); c.1A>G, p.Met1Val (NM_001351784.2, NM_001351787.2, NM_001351791.2 and 2 more transcripts); c.-214A>G (NM_001351786.2); c.73A>G, p.Met25Val (NM_001351790.2); short protein forms D42G, D92G, M1V, M25V.
Identifiers: ClinVar variation 3902042 (VCV003902042.1).